The following is an entry in ClinVar:

NM_012233.3(RAB3GAP1):c.944G>A (p.Arg315Gln)

Gene: RAB3GAP1 (RAB3 GTPase activating protein catalytic subunit 1; plus strand). Cytogenetic location: 2q21.3.
Variant type: single nucleotide variant.
Coding change: c.944G>A on transcript NM_012233.3 (MANE Select); coding-DNA position 944, G replaced by A.
Protein change: p.Arg315Gln; replaces arginine 315 with glutamine.
Molecular consequence: missense variant.
Genome position (GRCh38, 1-based): chr2:135,126,627, G>A. VCF-style: chr2-135126627-G-A. GRCh37 (hg19) VCF-style: chr2-135884197-G-A.
Other names: c.944G>A, p.Arg315Gln (NM_001172435.2); short protein forms R315Q.
Identifiers: ClinVar variation 331122 (VCV000331122.9), dbSNP rs776999297, ClinGen allele CA1884703.

ClinVar aggregate classification (germline): Uncertain significance. Review status: criteria provided, multiple submitters, no conflicts (2 of 4 stars). 3 submissions from 3 submitters: Uncertain significance (3). Last evaluated 2025-11-06.

Conditions:
Inborn genetic diseases. Identifiers: MedGen C0950123, MeSH D030342.
Warburg micro syndrome 1 (WARBM1). Identifiers: Orphanet 2510, MedGen C1838625, MONDO:0010822, OMIM 600118.

Allele frequency attached by ClinVar (database versions not stated): gnomAD exomes 0.00001 and 0.00002; TOPMed 0.00001; ExAC 0.00002.
gnomAD v4.1: 19 of 1,612,926 alleles (0.0012%); highest among the groups gnomAD compares: East Asian, 0.0067%; no homozygotes.

Submissions (3):

Ambry Genetics
Classification: Uncertain significance for Inborn genetic diseases. Last evaluated: 2025-11-06. Review status: criteria provided, single submitter. Criteria: Ambry Variant Classification Scheme 2023. Collection method: clinical testing. Allele origin: germline.

Labcorp Genetics (formerly Invitae), Labcorp
Classification: Uncertain significance. Last evaluated: 2024-11-18. Review status: criteria provided, single submitter. Criteria: Invitae Variant Classification Sherloc (09022015). Collection method: clinical testing. Allele origin: germline.
Comment: This sequence change replaces arginine, which is basic and polar, with glutamine, which is neutral and polar, at codon 315 of the RAB3GAP1 protein (p.Arg315Gln). This variant is present in population databases (rs776999297, gnomAD 0.01%). This variant has not been reported in the literature in individuals affected with RAB3GAP1-related conditions. ClinVar contains an entry for this variant (Variation ID: 331122). Invitae Evidence Modeling of protein sequence and biophysical properties (such as structural, functional, and spatial information, amino acid conservation, physicochemical variation, residue mobility, and thermodynamic stability) indicates that this missense variant is not expected to disrupt RAB3GAP1 protein function with a negative predictive value of 80%. Algorithms developed to predict the effect of sequence changes on RNA splicing suggest that this variant may disrupt the consensus splice site. In summary, the available evidence is currently insufficient to determine the role of this variant in disease. Therefore, it has been classified as a Variant of Uncertain Significance.

Illumina Laboratory Services, Illumina
Classification: Uncertain significance for Warburg micro syndrome 1. Last evaluated: 2018-01-13. Review status: criteria provided, single submitter. Criteria: ICSL Variant Classification Criteria 13 December 2019. Collection method: clinical testing. Allele origin: germline.